The following is an entry in ClinVar:

NM_001458.5(FLNC):c.4931C>G (p.Ser1644Cys)

Gene: FLNC (filamin C; plus strand). Cytogenetic location: 7q32.1.
Variant type: single nucleotide variant.
Coding change: c.4931C>G on transcript NM_001458.5 (MANE Select); coding-DNA position 4931, C replaced by G.
Protein change: p.Ser1644Cys; replaces serine 1644 with cysteine.
Molecular consequence: missense variant.
Genome position (GRCh38, 1-based): chr7:128,849,184, C>G. VCF-style: chr7-128849184-C-G. GRCh37 (hg19) VCF-style: chr7-128489238-C-G.
Other names: c.4931C>G, p.Ser1644Cys (NM_001127487.2); short protein forms S1644C.
Identifiers: ClinVar variation 1518427 (VCV001518427.19), dbSNP rs1808699932, ClinGen allele CA369203740.

ClinVar aggregate classification (germline): Uncertain significance. Review status: criteria provided, multiple submitters, no conflicts (2 of 4 stars). 3 submissions from 3 submitters: Uncertain significance (3). Last evaluated 2025-07-01.

Conditions:
Cardiovascular phenotype. Identifiers: MedGen CN230736.
Myofibrillar myopathy 5. Also called: Filaminopathy (type); FILAMINOPATHY, AUTOSOMAL DOMINANT. Identifiers: Orphanet 171445, MedGen C1836050, MONDO:0012289, OMIM 609524.
Distal myopathy with posterior leg and anterior hand involvement. Also called: WILLIAMS DISTAL MYOPATHY. Identifiers: Orphanet 63273, MedGen C3279722, MONDO:0013550, OMIM 614065.
Hypertrophic cardiomyopathy 26. Also called: Cardiomyopathy, familial hypertrophic, 26. Identifiers: Orphanet 75249, MedGen C4310749, MONDO:0014883, OMIM 617047.

Allele frequency attached by ClinVar (database versions not stated): TOPMed below 0.00001; gnomAD exomes 0.00001.
gnomAD v4.1: 3 of 1,611,406 alleles (0.00019%); highest among the groups gnomAD compares: Non-Finnish European, 0.00025%; no homozygotes.

Submissions (3):

CeGaT Center for Human Genetics Tuebingen
Classification: Uncertain significance. Last evaluated: 2025-07-01. Review status: criteria provided, single submitter. Criteria: CeGaT Center For Human Genetics Tuebingen Variant Classification Criteria Version 2. Collection method: clinical testing. Allele origin: germline. Affected: yes. Observed: 1 variant allele.
Comment: FLNC: PP3

Labcorp Genetics (formerly Invitae), Labcorp
Classification: Uncertain significance for Distal myopathy with posterior leg and anterior hand involvement; Myofibrillar myopathy 5; Hypertrophic cardiomyopathy 26. Last evaluated: 2025-06-09. Review status: criteria provided, single submitter. Criteria: Invitae Variant Classification Sherloc (09022015). Collection method: clinical testing. Allele origin: germline.
Comment: This sequence change replaces serine, which is neutral and polar, with cysteine, which is neutral and slightly polar, at codon 1644 of the FLNC protein (p.Ser1644Cys). This variant is not present in population databases (gnomAD no frequency). This variant has not been reported in the literature in individuals affected with FLNC-related conditions. ClinVar contains an entry for this variant (Variation ID: 1518427). An algorithm developed to predict the effect of missense changes on protein structure and function (PolyPhen-2) suggests that this variant is likely to be disruptive. In summary, the available evidence is currently insufficient to determine the role of this variant in disease. Therefore, it has been classified as a Variant of Uncertain Significance.

Ambry Genetics
Classification: Uncertain significance for Cardiovascular phenotype. Last evaluated: 2025-05-03. Review status: criteria provided, single submitter. Criteria: Ambry Variant Classification Scheme 2023. Collection method: clinical testing. Allele origin: germline.
Comment: The p.S1644C variant (also known as c.4931C>G), located in coding exon 29 of the FLNC gene, results from a C to G substitution at nucleotide position 4931. The serine at codon 1644 is replaced by cysteine, an amino acid with dissimilar properties. This amino acid position is conserved. In addition, the in silico prediction for this alteration is inconclusive. Since supporting evidence is limited at this time, the clinical significance of this alteration remains unclear.